The following is an entry in ClinVar:

ClinVar aggregate classification (germline): Uncertain significance (1 of 4 stars; one submission).

Conditions:
Developmental and epileptic encephalopathy 94 (DEE94). Also called: CHD2-Related Neurodevelopmental Disorders; Epileptic encephalopathy, childhood-onset. Identifiers: Orphanet 1942, Orphanet 2382, MedGen C3809278, MONDO:0014150, OMIM 615369.

Submission:

Labcorp Genetics (formerly Invitae), Labcorp
Classification: Uncertain significance for Developmental and epileptic encephalopathy 94. Last evaluated: 2020-07-14. Review status: criteria provided, single submitter. Criteria: Invitae Variant Classification Sherloc (09022015). Collection method: clinical testing. Allele origin: germline.
Comment: In summary, the available evidence is currently insufficient to determine the role of this variant in disease. Therefore, it has been classified as a Variant of Uncertain Significance. Algorithms developed to predict the effect of missense changes on protein structure and function are either unavailable or do not agree on the potential impact of this missense change (SIFT: "Deleterious"; PolyPhen-2: "Benign"; Align-GVGD: "Class C0"). This variant has not been reported in the literature in individuals with CHD2-related conditions. This variant is not present in population databases (ExAC no frequency). This sequence change replaces histidine with asparagine at codon 1673 of the CHD2 protein (p.His1673Asn). The histidine residue is moderately conserved and there is a small physicochemical difference between histidine and asparagine.

NM_001271.4(CHD2):c.5017C>A (p.His1673Asn)

Gene: CHD2 (chromodomain helicase DNA binding protein 2; plus strand). Cytogenetic location: 15q26.1.
Variant type: single nucleotide variant.
Coding change: c.5017C>A on transcript NM_001271.4 (MANE Select); coding-DNA position 5017, C replaced by A.
Protein change: p.His1673Asn; replaces histidine 1673 with asparagine.
Molecular consequence: missense variant.
Genome position (GRCh38, 1-based): chr15:93,020,122, C>A. VCF-style: chr15-93020122-C-A. GRCh37 (hg19) VCF-style: chr15-93563352-C-A.
Other names: short protein forms H1673N.
Identifiers: ClinVar variation 1005608 (VCV001005608.9), dbSNP rs190569275, ClinGen allele CA393907724.